The following is an entry in ClinVar:

ClinVar aggregate classification (germline): Uncertain significance (1 of 4 stars; one submission).

Conditions:
Familial thoracic aortic aneurysm and aortic dissection (TAAD). Also called: Thoracic aortic aneurysms and dissections. Identifiers: Orphanet 91387, MedGen C4707243, MONDO:0019625.

Submission:

Color Diagnostics, LLC DBA Color Health
Classification: Uncertain significance for Familial thoracic aortic aneurysm and aortic dissection. Last evaluated: 2024-03-06. Review status: criteria provided, single submitter. Criteria: ACMG Guidelines, 2015. Collection method: clinical testing. Allele origin: germline.
Comment: This missense variant replaces serine with cysteine at codon 215 of the MYH11 protein. Computational prediction tool suggests that this variant may not impact protein structure and function (internally defined REVEL score threshold <=0.5, PMID: 27666373). Splice site prediction tools suggest that this variant may not impact RNA splicing. To our knowledge, functional studies have not been performed for this variant. This variant has not been reported in individuals affected with cardiovascular disorders in the literature. This variant has not been identified in the general population by the Genome Aggregation Database (gnomAD). The available evidence is insufficient to determine the role of this variant in disease conclusively. Therefore, this variant is classified as a Variant of Uncertain Significance.

NM_001040113.2(MYH11):c.644C>G (p.Ser215Cys)

Gene: MYH11 (myosin heavy chain 11; minus strand). Cytogenetic location: 16p13.11.
Variant type: single nucleotide variant.
Coding change: c.644C>G on transcript NM_001040113.2 (MANE Plus Clinical); coding-DNA position 644, C replaced by G.
Protein change: p.Ser215Cys; replaces serine 215 with cysteine.
Molecular consequence: missense variant. On other transcripts: intron variant (2).
Genome position (GRCh38, 1-based): chr16:15,784,708, G>C on the plus strand (C>G on the coding strand, the complement: MYH11 is on the minus strand). VCF-style: chr16-15784708-G-C. GRCh37 (hg19) VCF-style: chr16-15878565-G-C.
Other names: c.644C>G, p.Ser215Cys (NM_001040114.2); c.633+1922C>G (NM_002474.3, NM_022844.3); short protein forms S215C.
Identifiers: ClinVar variation 924235 (VCV000924235.4), dbSNP rs2042428776, ClinGen allele CA394872424.